The following is an entry in ClinVar:

ClinVar aggregate classification (germline): Uncertain significance (1 of 4 stars; one submission).

gnomAD v4.1: 4 of 1,614,100 alleles (0.00025%); highest among the groups gnomAD compares: Non-Finnish European, 0.00034%; no homozygotes.

Submission:

Labcorp Genetics (formerly Invitae), Labcorp
Classification: Uncertain significance. Last evaluated: 2023-10-20. Review status: criteria provided, single submitter. Criteria: Invitae Variant Classification Sherloc (09022015). Collection method: clinical testing. Allele origin: germline.
Comment: This sequence change replaces asparagine, which is neutral and polar, with serine, which is neutral and polar, at codon 583 of the NR3C2 protein (p.Asn583Ser). This variant is present in population databases (rs775482238, gnomAD 0.0009%). This variant has not been reported in the literature in individuals affected with NR3C2-related conditions. Advanced modeling of protein sequence and biophysical properties (such as structural, functional, and spatial information, amino acid conservation, physicochemical variation, residue mobility, and thermodynamic stability) performed at Invitae indicates that this missense variant is not expected to disrupt NR3C2 protein function. In summary, the available evidence is currently insufficient to determine the role of this variant in disease. Therefore, it has been classified as a Variant of Uncertain Significance.

NM_000901.5(NR3C2):c.1748A>G (p.Asn583Ser)

Gene: NR3C2 (nuclear receptor subfamily 3 group C member 2; minus strand). Cytogenetic location: 4q31.23.
Variant type: single nucleotide variant.
Coding change: c.1748A>G on transcript NM_000901.5 (MANE Select); coding-DNA position 1748, A replaced by G.
Protein change: p.Asn583Ser; replaces asparagine 583 with serine.
Molecular consequence: missense variant. On other transcripts: non-coding transcript variant (1).
Genome position (GRCh38, 1-based): chr4:148,435,113, T>C on the plus strand (A>G on the coding strand, the complement: NR3C2 is on the minus strand). VCF-style: chr4-148435113-T-C. GRCh37 (hg19) VCF-style: chr4-149356265-T-C.
Other names: c.1748A>G, p.Asn583Ser (NM_001166104.2, NM_001354819.1); short protein forms N583S.
Identifiers: ClinVar variation 2870263 (VCV002870263.3), dbSNP rs775482238, ClinGen allele CA3100250.